The following is an entry in ClinVar:

ClinVar aggregate classification (germline): Uncertain significance. Review status: criteria provided, single submitter (1 of 4 stars). 2 submissions from 2 submitters: Uncertain significance (1). 1 of the submissions does not count toward it. Last evaluated 2021-07-26.

Conditions:
NFAT5-related disorder. Also called: NFAT5-related condition.

Allele frequency attached by ClinVar (database versions not stated): gnomAD exomes 0.00001.
gnomAD v4.1: 7 of 1,580,994 alleles (0.00044%); highest among the groups gnomAD compares: Non-Finnish European, 0.0006%; no homozygotes.

Submissions (2):

Ambry Genetics
Classification: Uncertain significance. Last evaluated: 2021-07-26. Review status: criteria provided, single submitter. Criteria: Ambry Variant Classification Scheme 2023. Collection method: clinical testing. Allele origin: germline.

PreventionGenetics, part of Exact Sciences
Classification: Uncertain significance for NFAT5-related condition. Last evaluated: 2024-04-25. Review status: no assertion criteria provided. Collection method: clinical testing. Allele origin: germline. Not counted in ClinVar's aggregate classification.
Comment: The NFAT5 c.1513A>T variant is predicted to result in the amino acid substitution p.Asn505Tyr. To our knowledge, this variant has not been reported in the literature. This variant is reported in 0.00092% of alleles in individuals of European (Non-Finnish) descent in gnomAD. At this time, the clinical significance of this variant is uncertain due to the absence of conclusive functional and genetic evidence.

NM_138713.4(NFAT5):c.1795A>T (p.Asn599Tyr)

Gene: NFAT5 (nuclear factor of activated T cells 5; plus strand). Cytogenetic location: 16q22.1.
Variant type: single nucleotide variant.
Coding change: c.1795A>T on transcript NM_138713.4 (MANE Select); coding-DNA position 1795, A replaced by T.
Protein change: p.Asn599Tyr; replaces asparagine 599 with tyrosine.
Molecular consequence: missense variant.
Genome position (GRCh38, 1-based): chr16:69,690,960, A>T. VCF-style: chr16-69690960-A-T. GRCh37 (hg19) VCF-style: chr16-69724863-A-T.
Other names: c.1792A>T, p.Asn598Tyr (NM_001113178.3); c.1120A>T, p.Asn374Tyr (NM_001367709.1); c.1741A>T, p.Asn581Tyr (NM_006599.4); c.1513A>T, p.Asn505Tyr (NM_138714.4, NM_173214.3, NM_173215.3); c.1513A>T (NM_138714.3); short protein forms N598Y, N581Y, N599Y, N374Y, N505Y.
Identifiers: ClinVar variation 2239361 (VCV002239361.3), dbSNP rs1284780801, ClinGen allele CA396503799.